The following is an entry in ClinVar:

NM_004655.4(AXIN2):c.197A>G (p.Glu66Gly)

Gene: AXIN2 (axin 2; minus strand). Cytogenetic location: 17q24.1.
Variant type: single nucleotide variant.
Coding change: c.197A>G on transcript NM_004655.4 (MANE Select); coding-DNA position 197, A replaced by G.
Protein change: p.Glu66Gly; replaces glutamic acid 66 with glycine.
Molecular consequence: missense variant.
Genome position (GRCh38, 1-based): chr17:65,558,424, T>C on the plus strand (A>G on the coding strand, the complement: AXIN2 is on the minus strand). VCF-style: chr17-65558424-T-C. GRCh37 (hg19) VCF-style: chr17-63554542-T-C.
Other names: c.197A>G, p.Glu66Gly (NM_001363813.1); short protein forms E66G.
Identifiers: ClinVar variation 4755392 (VCV004755392.1).

ClinVar aggregate classification (germline): Likely pathogenic (1 of 4 stars; one submission).

Conditions:
AXIN2-related disorder.

Submission:

Molecular Genetics of Human Eye Development, Oxford Brookes University
Classification: Likely pathogenic for AXIN2-related disorder. Last evaluated: 2026-02-03. Review status: criteria provided, single submitter. Criteria: ACMG Guidelines, 2015. Collection method: research. Allele origin: de novo. Inheritance: Autosomal dominant inheritance. Affected: yes. Observed: 1 heterozygote.
Comment: The NM_004655.4 c.197A>G change is a missense variant affecting the tankyrase domain of AXIN2. It is absent from controls in gnomAD 4.1.0 (PM2) and multiple lines of evidence support a deleterious effect of this change (PP3). Variants affecting the same residue in indiviuals with a strikingly similar phenotype were published in a pre-print (PMID: 39677486).

Literature cited by the submitters: PubMed 39677486.